The following is an entry in ClinVar:

ClinVar aggregate classification (germline): Uncertain significance (1 of 4 stars; one submission).

Conditions:
Interstitial lung disease due to ABCA3 deficiency. Also called: PULMONARY ALVEOLAR PROTEINOSIS, CONGENITAL, 3. Identifiers: Orphanet 440402, MedGen C1970456, MONDO:0012582, OMIM 610921.

Submission:

Myriad Genetics, Inc.
Classification: Uncertain significance for Interstitial lung disease due to ABCA3 deficiency. Last evaluated: 2026-03-24. Review status: criteria provided, single submitter. Criteria: Myriad Autosomal Dominant, Autosomal Recessive and X-Linked Classification Criteria (2023). Collection method: clinical testing. Allele origin: unknown.
Comment: NM_001089.2(ABCA3):c.1089G>T(M363I) is a missense variant classified as likely pathogenic in the context of surfactant deficiency, ABCA3-related. M363I has been observed in a case with relevant disease (PMID: 36808083). Relevant functional assessments of this variant are not available in the literature. M363I has not been observed in referenced population frequency databases. In summary, NM_001089.2(ABCA3):c.1089G>T(M363I) is a missense variant that has been observed more frequently in cases with the relevant disease than in healthy populations. Please note: this variant was assessed in the context of healthy population screening.

Literature cited by the submitters: PubMed 36808083.

NM_001089.3(ABCA3):c.1089G>T (p.Met363Ile)

Gene: ABCA3 (ATP binding cassette subfamily A member 3; minus strand). Cytogenetic location: 16p13.3.
Variant type: single nucleotide variant.
Coding change: c.1089G>T on transcript NM_001089.3 (MANE Select); coding-DNA position 1089, G replaced by T.
Protein change: p.Met363Ile; replaces methionine 363 with isoleucine.
Molecular consequence: missense variant.
Genome position (GRCh38, 1-based): chr16:2,317,305, C>A on the plus strand (G>T on the coding strand, the complement: ABCA3 is on the minus strand). VCF-style: chr16-2317305-C-A. GRCh37 (hg19) VCF-style: chr16-2367306-C-A.
Other names: short protein forms M363I.
Identifiers: ClinVar variation 5004544 (VCV005004544.1).